The following is an entry in ClinVar:

ClinVar aggregate classification (germline): Uncertain significance (1 of 4 stars; one submission).

Allele frequency attached by ClinVar (database versions not stated): ExAC 0.00001; gnomAD exomes below 0.00001.
gnomAD v4.1: 1 of 1,613,898 alleles (0.000062%); highest among the groups gnomAD compares: East Asian, 0.0022%; no homozygotes.

Submission:

Labcorp Genetics (formerly Invitae), Labcorp
Classification: Uncertain significance. Last evaluated: 2021-12-15. Review status: criteria provided, single submitter. Criteria: Invitae Variant Classification Sherloc (09022015). Collection method: clinical testing. Allele origin: germline.
Comment: This variant is present in population databases (rs770651685, gnomAD 0.006%). This sequence change replaces leucine, which is neutral and non-polar, with proline, which is neutral and non-polar, at codon 3093 of the LRP2 protein (p.Leu3093Pro). In summary, the available evidence is currently insufficient to determine the role of this variant in disease. Therefore, it has been classified as a Variant of Uncertain Significance. Algorithms developed to predict the effect of missense changes on protein structure and function (SIFT, PolyPhen-2, Align-GVGD) all suggest that this variant is likely to be disruptive. This variant has not been reported in the literature in individuals affected with LRP2-related conditions.

NM_004525.3(LRP2):c.9278T>C (p.Leu3093Pro)

Gene: LRP2 (LDL receptor related protein 2; minus strand). Cytogenetic location: 2q31.1.
Variant type: single nucleotide variant.
Coding change: c.9278T>C on transcript NM_004525.3 (MANE Select); coding-DNA position 9278, T replaced by C.
Protein change: p.Leu3093Pro; replaces leucine 3093 with proline.
Molecular consequence: missense variant.
Genome position (GRCh38, 1-based): chr2:169,188,020, A>G on the plus strand (T>C on the coding strand, the complement: LRP2 is on the minus strand). VCF-style: chr2-169188020-A-G. GRCh37 (hg19) VCF-style: chr2-170044530-A-G.
Other names: short protein forms L3093P.
Identifiers: ClinVar variation 1507866 (VCV001507866.5), dbSNP rs770651685, ClinGen allele CA1953626.